The following is an entry in ClinVar:

ClinVar aggregate classification (germline): Uncertain significance (1 of 4 stars; one submission).

Allele frequency attached by ClinVar (database versions not stated): gnomAD 0.00001; TOPMed 0.00001.
gnomAD v4.1: 8 of 1,613,964 alleles (0.0005%); highest among the groups gnomAD compares: Non-Finnish European, 0.00068%; no homozygotes.

Submission:

CeGaT Center for Human Genetics Tuebingen
Classification: Uncertain significance. Last evaluated: 2024-11-01. Review status: criteria provided, single submitter. Criteria: CeGaT Center For Human Genetics Tuebingen Variant Classification Criteria Version 2. Collection method: clinical testing. Allele origin: germline. Affected: yes. Observed: 1 variant allele.
Comment: C2CD3: PM2

NM_001286577.2(C2CD3):c.3285T>G (p.Ser1095Arg)

Gene: C2CD3 (C2 domain containing 3 centriole elongation regulator; minus strand). Cytogenetic location: 11q13.4.
Variant type: single nucleotide variant.
Coding change: c.3285T>G on transcript NM_001286577.2 (MANE Select); coding-DNA position 3285, T replaced by G.
Protein change: p.Ser1095Arg; replaces serine 1095 with arginine.
Molecular consequence: missense variant.
Genome position (GRCh38, 1-based): chr11:74,093,875, A>C on the plus strand (T>G on the coding strand, the complement: C2CD3 is on the minus strand). VCF-style: chr11-74093875-A-C. GRCh37 (hg19) VCF-style: chr11-73804920-A-C.
Other names: c.3285T>G, p.Ser1095Arg (NM_015531.6); short protein forms S1095R.
Identifiers: ClinVar variation 3026925 (VCV003026925.22), dbSNP rs1352543099, ClinGen allele CA381826258.